The following is an entry in ClinVar:

ClinVar aggregate classification (germline): Uncertain significance (1 of 4 stars; one submission).

Submission:

Labcorp Genetics (formerly Invitae), Labcorp
Classification: Uncertain significance. Last evaluated: 2024-05-28. Review status: criteria provided, single submitter. Criteria: Invitae Variant Classification Sherloc (09022015). Collection method: clinical testing. Allele origin: germline.
Comment: This sequence change falls in intron 46 of the POLE gene. It does not directly change the encoded amino acid sequence of the POLE protein. This variant is not present in population databases (gnomAD no frequency). This variant has not been reported in the literature in individuals affected with POLE-related conditions. Algorithms developed to predict the effect of sequence changes on RNA splicing suggest that this variant may disrupt the consensus splice site. In summary, the available evidence is currently insufficient to determine the role of this variant in disease. Therefore, it has been classified as a Variant of Uncertain Significance.

NM_006231.4(POLE):c.6532-18_6532-12del

Gene: POLE (DNA polymerase epsilon, catalytic subunit; minus strand). Cytogenetic location: 12q24.33.
Variant type: Deletion.
Coding change: c.6532-18_6532-12del on transcript NM_006231.4 (MANE Select); 18 bases into the intron before coding-DNA position 6532 through 12 bases into the intron before coding-DNA position 6532, 7 bases deleted (CACTCTT; older notation c.6532-18_6532-12delCACTCTT).
Molecular consequence: intron variant.
Genome position (GRCh38, 1-based): chr12:132,625,782-132,625,788, AAGAGTG deleted on the plus strand (CACTCTT on the coding strand, the reverse complement: POLE is on the minus strand). VCF-style (leftmost placement, unchanged base first): chr12-132625781-CAAGAGTG-C. GRCh37 (hg19) VCF-style: chr12-133202367-CAAGAGTG-C.
Identifiers: ClinVar variation 3654852 (VCV003654852.2).